The following is an entry in ClinVar:

ClinVar aggregate classification (germline): Uncertain significance. Review status: criteria provided, multiple submitters, no conflicts (2 of 4 stars). 2 submissions from 2 submitters: Uncertain significance (2). Last evaluated 2025-10-23.

Conditions:
Hereditary cancer-predisposing syndrome. Also called: Neoplastic Syndromes, Hereditary; Hereditary Cancer Syndrome; Hereditary neoplastic syndrome; Tumor predisposition. Identifiers: Orphanet 140162, MedGen C0027672, MeSH D009386, MONDO:0015356.
Neuroblastoma, susceptibility to, 3. Also called: ALK-Related Neuroblastic Tumor Susceptibility. Identifiers: Orphanet 635, MedGen C2751681, MONDO:0013083, OMIM 613014.

Allele frequency attached by ClinVar (database versions not stated): gnomAD exomes below 0.00001.
gnomAD v4.1: 2 of 1,609,066 alleles (0.00012%); highest among the groups gnomAD compares: African/African-American, 0.0013%; no homozygotes.

Submissions (2):

Labcorp Genetics (formerly Invitae), Labcorp
Classification: Uncertain significance for Neuroblastoma, susceptibility to, 3. Last evaluated: 2025-10-23. Review status: criteria provided, single submitter. Criteria: Invitae Variant Classification Sherloc (09022015). Collection method: clinical testing. Allele origin: germline.
Comment: This sequence change replaces alanine, which is neutral and non-polar, with valine, which is neutral and non-polar, at codon 1459 of the ALK protein (p.Ala1459Val). This variant is not present in population databases (gnomAD no frequency). This variant has not been reported in the literature in individuals affected with ALK-related conditions. ClinVar contains an entry for this variant (Variation ID: 2158782). An algorithm developed to predict the effect of missense changes on protein structure and function (PolyPhen-2) suggests that this variant is likely to be tolerated. In summary, the available evidence is currently insufficient to determine the role of this variant in disease. Therefore, it has been classified as a Variant of Uncertain Significance.

Ambry Genetics
Classification: Uncertain significance for Hereditary cancer-predisposing syndrome. Last evaluated: 2023-04-23. Review status: criteria provided, single submitter. Criteria: Ambry Variant Classification Scheme 2023. Collection method: clinical testing. Allele origin: germline.
Comment: The p.A1459V variant (also known as c.4376C>T), located in coding exon 29 of the ALK gene, results from a C to T substitution at nucleotide position 4376. The alanine at codon 1459 is replaced by valine, an amino acid with similar properties. This amino acid position is conserved. In addition, this alteration is predicted to be tolerated by in silico analysis. Since supporting evidence is limited at this time, the clinical significance of this alteration remains unclear.

NM_004304.5(ALK):c.4376C>T (p.Ala1459Val)

Gene: ALK (ALK receptor tyrosine kinase; minus strand). Cytogenetic location: 2p23.2.
Variant type: single nucleotide variant.
Coding change: c.4376C>T on transcript NM_004304.5 (MANE Select); coding-DNA position 4376, C replaced by T.
Protein change: p.Ala1459Val; replaces alanine 1459 with valine.
Molecular consequence: missense variant.
Genome position (GRCh38, 1-based): chr2:29,193,711, G>A on the plus strand (C>T on the coding strand, the complement: ALK is on the minus strand). VCF-style: chr2-29193711-G-A. GRCh37 (hg19) VCF-style: chr2-29416577-G-A.
Other names: c.1172C>T, p.Ala391Val (NM_001353765.2); c.4376C>T (NM_004304.4); short protein forms A391V, A1459V.
Identifiers: ClinVar variation 2158782 (VCV002158782.6), dbSNP rs1416798138, ClinGen allele CA346462318.